The following is an entry in ClinVar:

NM_001171.6(ABCC6):c.2252T>A (p.Met751Lys)

Gene: ABCC6 (ATP binding cassette subfamily C member 6; minus strand). Cytogenetic location: 16p13.11.
Variant type: single nucleotide variant.
Coding change: c.2252T>A on transcript NM_001171.6 (MANE Select); coding-DNA position 2252, T replaced by A.
Protein change: p.Met751Lys; replaces methionine 751 with lysine.
Molecular consequence: missense variant. On other transcripts: non-coding transcript variant (1).
Genome position (GRCh38, 1-based): chr16:16,178,961, A>T on the plus strand (T>A on the coding strand, the complement: ABCC6 is on the minus strand). VCF-style: chr16-16178961-A-T. GRCh37 (hg19) VCF-style: chr16-16272818-A-T.
Other names: c.1910T>A, p.Met637Lys (NM_001351800.1); short protein forms M751K, M637K.
Identifiers: ClinVar variation 433266 (VCV000433266.13), dbSNP rs72653786, ClinGen allele CA278645448.
Genomic context (GRCh38, chr16:16,178,961, plus strand): 5'-GCCTTTCTGTATACAGCCCGGGCCAGGCTCAGCCGCTGCTTCTGGCCTCCGGAGAGATTC[A>T]TGCCCTGTGGCCACAAAAGGAACAGTGGCCTGAGTCAGCATCTACAGGGTGAAACTGGGG-3'
Protein context (NP_001162.5, residues 741-761): GIHTSIGEQG[Met751Lys]NLSGGQKQRL

ClinVar aggregate classification (germline): Conflicting classifications of pathogenicity. Review status: criteria provided, conflicting classifications (1 of 4 stars). 6 submissions from 6 submitters: Pathogenic (1); Likely pathogenic (3); Uncertain significance (1). 1 of the submissions does not count toward it. Last evaluated 2025-10-21.

Conditions:
ABCC6-related disorder. Also called: ABCC6-related condition.
Optic atrophy. Identifiers: MedGen C0029124, MONDO:0003608, HP:0000648.
Arterial calcification, generalized, of infancy, 2. Identifiers: Orphanet 51608, MedGen C3276161, MONDO:0013768, OMIM 614473.
Autosomal recessive inherited pseudoxanthoma elasticum (PXE). Identifiers: Orphanet 758, MedGen CN032334, MONDO:0009925, OMIM 264800.
Pseudoxanthoma elasticum, forme fruste. Also called: Pseudoxanthoma Elasticum, Incomplete; PSEUDOXANTHOMA ELASTICUM, HETEROZYGOUS. Identifiers: Orphanet 758, MedGen C1867450, MONDO:0008333, OMIM 177850.

Allele frequency attached by ClinVar (database versions not stated): gnomAD exomes below 0.00001; gnomAD 0.00003 and 0.00004; TOPMed 0.00003.
gnomAD v4.1: 9 of 1,612,326 alleles (0.00056%); highest among the groups gnomAD compares: Non-Finnish European, 0.00076%; no homozygotes.

Submissions (6):

Labcorp Genetics (formerly Invitae), Labcorp
Classification: Likely pathogenic. Last evaluated: 2025-10-21. Review status: criteria provided, single submitter. Criteria: Invitae Variant Classification Sherloc (09022015). Collection method: clinical testing. Allele origin: germline.
Comment: This sequence change replaces methionine, which is neutral and non-polar, with lysine, which is basic and polar, at codon 751 of the ABCC6 protein (p.Met751Lys). This variant is present in population databases (rs72653786, gnomAD 0.01%). This missense change has been observed in individuals with pseudoxanthoma elasticum (PMID: 16835894, 18157818, 33820832, 34906475, 35261845). ClinVar contains an entry for this variant (Variation ID: 433266). Invitae Evidence Modeling of protein sequence and biophysical properties (such as structural, functional, and spatial information, amino acid conservation, physicochemical variation, residue mobility, and thermodynamic stability) indicates that this missense variant is not expected to disrupt ABCC6 protein function with a negative predictive value of 80%. In summary, the currently available evidence indicates that the variant is pathogenic, but additional data are needed to prove that conclusively. Therefore, this variant has been classified as Likely Pathogenic.

PreventionGenetics, part of Exact Sciences
Classification: Likely pathogenic for ABCC6-related condition. Last evaluated: 2025-05-22. Review status: criteria provided, single submitter. Criteria: ACMG Guidelines, 2015. Collection method: clinical testing. Allele origin: germline.
Comment: The ABCC6 c.2252T>A variant is predicted to result in the amino acid substitution p.Met751Lys. This variant in the heterozygous state was reported in five unrelated patients with pseudoxanthoma elasticum; in a study by the same group, this variant was found in several affected individuals who also carried another protein-truncating variant in this same gene (Hendig et al. 2005. PubMed ID: 15723264; Schulz et al. 2006. PubMed ID: 16835894). However, no additional information was given to conclusively determine pathogenicity (e.g. segregation analysis). Other groups have also reported this variant, along with a second probable causative variant in the same gene, in multiple individuals with ectopic mineralization disorders (Vanakker et al. 2008. PubMed ID: 18157818; Verschuere et al. 2020. PubMed ID: 32873932; supplementary data, Saeidian et al. 2021. PubMed ID: 34906475). This variant was also described in large cohorts of individuals with suspect ABCC6-related disease (supplementary data, Nollet et al. 2021. PubMed ID: 33820832; supplementary data, Stumpf et al. 2022. PubMed ID: 35261845). This variant is reported in 0.013% of alleles in individuals of European (Non-Finnish) descent in gnomAD. This variant is interpreted as likely pathogenic for autosomal recessive disease.

Fulgent Genetics
Classification: Pathogenic for Pseudoxanthoma elasticum, forme fruste; Autosomal recessive inherited pseudoxanthoma elasticum; Arterial calcification, generalized, of infancy, 2. Last evaluated: 2024-04-26. Review status: criteria provided, single submitter. Criteria: ACMG Guidelines, 2015. Collection method: clinical testing. Allele origin: germline.

Institute of Human Genetics, Univ. Regensburg, Univ. Regensburg
Classification: Likely pathogenic for Optic atrophy. Last evaluated: 2022-01-01. Review status: criteria provided, single submitter. Criteria: ACMG Guidelines, 2015. Collection method: clinical testing. Allele origin: germline. Affected: yes.

Blueprint Genetics
Classification: Uncertain significance. Last evaluated: 2020-01-14. Review status: criteria provided, single submitter. Criteria: ACMG Guidelines, 2015. Collection method: clinical testing. Allele origin: germline.

PXE International
Classification: Pathogenic for Autosomal recessive inherited pseudoxanthoma elasticum. Last evaluated: 2021-03-01. Review status: no assertion criteria provided. Collection method: research. Allele origin: germline. Inheritance: Autosomal recessive inheritance. Affected: yes. Observed: 4 variant alleles. Clinical features observed: Peripheral neuropathy (HP:0009830), Papule (HP:0200034), Retinal hemorrhage (HP:0000573), Kidney stone (HP:0000787), Angioid streaks (HP:0001102), Skin plaque (HP:0200035), Peau d'orange retinal changes, Abnormally lax or hyperextensible skin (HP:0008067), Vascular surgery. Not counted in ClinVar's aggregate classification.

Literature cited by the submitters: PubMed 16835894 (cited by Labcorp Genetics (formerly Invitae), Labcorp); PubMed 18157818 (cited by Labcorp Genetics (formerly Invitae), Labcorp); PubMed 33820832 (cited by Labcorp Genetics (formerly Invitae), Labcorp and Institute of Human Genetics, Univ. Regensburg, Univ. Regensburg); PubMed 34906475 (cited by Labcorp Genetics (formerly Invitae), Labcorp and Institute of Human Genetics, Univ. Regensburg, Univ. Regensburg); PubMed 35261845 (cited by Labcorp Genetics (formerly Invitae), Labcorp and Institute of Human Genetics, Univ. Regensburg, Univ. Regensburg); PubMed 15723264 (cited by Institute of Human Genetics, Univ. Regensburg, Univ. Regensburg); PubMed 32873932 (cited by Institute of Human Genetics, Univ. Regensburg, Univ. Regensburg and PXE International).